The following is an entry in ClinVar:

NM_174936.4(PCSK9):c.868G>A (p.Ala290Thr)

Gene: PCSK9 (proprotein convertase subtilisin/kexin type 9; plus strand). Cytogenetic location: 1p32.3.
Variant type: single nucleotide variant.
Coding change: c.868G>A on transcript NM_174936.4 (MANE Select); coding-DNA position 868, G replaced by A.
Protein change: p.Ala290Thr; replaces alanine 290 with threonine.
Molecular consequence: missense variant. On other transcripts: non-coding transcript variant (8).
Genome position (GRCh38, 1-based): chr1:55,056,061, G>A. VCF-style: chr1-55056061-G-A. GRCh37 (hg19) VCF-style: chr1-55521734-G-A.
Other names: c.991G>A, p.Ala331Thr (NM_001407240.1); c.868G>A, p.Ala290Thr (NM_001407241.1, NM_001407244.1, NM_001407247.1); c.871G>A, p.Ala291Thr (NM_001407242.1); c.811G>A, p.Ala271Thr (NM_001407243.1); c.676G>A, p.Ala226Thr (NM_001407245.1); c.493G>A, p.Ala165Thr (NM_001407246.1); short protein forms A165T, A226T, A271T, A290T, A291T, A331T.
Identifiers: ClinVar variation 3893807 (VCV003893807.1).

ClinVar aggregate classification (germline): Uncertain significance (1 of 4 stars; one submission).

Conditions:
Familial hypercholesterolemia. Also called: Familial hypercholesterolaemia. Identifiers: MedGen C0020445, MONDO:0005439.

Submission:

Color Diagnostics, LLC DBA Color Health
Classification: Uncertain significance for Familial hypercholesterolemia. Last evaluated: 2024-11-17. Review status: criteria provided, single submitter. Criteria: ACMG Guidelines, 2015. Collection method: clinical testing. Allele origin: germline.
Comment: This missense variant replaces alanine with threonine at codon 290 of the PCSK9 protein. Computational prediction suggests that this variant may not impact protein structure and function (internally defined REVEL score threshold <= 0.5, PMID: 27666373). To our knowledge, functional studies have not been reported for this variant. This variant has not been reported in individuals affected with PCSK9-related disorders in the literature. This variant has not been identified in the general population by the Genome Aggregation Database (gnomAD). The available evidence is insufficient to determine the role of this variant in disease conclusively. Therefore, this variant is classified as a Variant of Uncertain Significance.